The following is an entry in ClinVar:

NM_017871.6(INTS11):c.1403-4G>A

Genes: INTS11 (integrator complex subunit 11; minus strand), MIR6727 (microRNA 6727; minus strand). Cytogenetic location: 1p36.33.
Variant type: single nucleotide variant.
Coding change: c.1403-4G>A on transcript NM_017871.6 (MANE Select); 4 bases into the intron before coding-DNA position 1403, G replaced by A.
Molecular consequence: intron variant. On other transcripts: non-coding transcript variant (1).
Genome position (GRCh38, 1-based): chr1:1,312,505, C>T on the plus strand (G>A on the coding strand, the complement: INTS11 is on the minus strand). VCF-style: chr1-1312505-C-T. GRCh37 (hg19) VCF-style: chr1-1247885-C-T.
Other names: c.1100-4G>A (NM_001256463.2); c.1316-4G>A (NM_001256460.2); c.1109-4G>A (NM_001256462.2); c.1421-4G>A (NM_001256456.2).
Identifiers: ClinVar variation 5038805 (VCV005038805.1).

ClinVar aggregate classification (germline): Likely benign (1 of 4 stars; one submission).

gnomAD v4.1: 183 of 1,581,734 alleles (0.012%); highest among the groups gnomAD compares: Non-Finnish European, 0.014%; no homozygotes.

Submission:

CeGaT Center for Human Genetics Tuebingen
Classification: Likely benign. Last evaluated: 2026-07-01. Review status: criteria provided, single submitter. Criteria: CeGaT Center For Human Genetics Tuebingen Variant Classification Criteria Version 2. Collection method: clinical testing. Allele origin: germline. Affected: yes. Observed: 1 variant allele.
Comment: INTS11: BP4